The following is an entry in ClinVar:

NM_005184.4(CALM3):c.201G>A (p.Pro67=)

Gene: CALM3 (calmodulin 3; plus strand). Cytogenetic location: 19q13.32.
Variant type: single nucleotide variant.
Coding change: c.201G>A on transcript NM_005184.4 (MANE Select); coding-DNA position 201, G replaced by A.
Protein change: p.Pro67=; no amino-acid change (proline 67 retained).
Molecular consequence: synonymous variant.
Genome position (GRCh38, 1-based): chr19:46,608,504, G>A. VCF-style: chr19-46608504-G-A. GRCh37 (hg19) VCF-style: chr19-47111761-G-A.
Other names: p.Pro67=; c.93G>A, p.Pro31= (NM_001329921.1, NM_001329923.1, NM_001329924.2 and 2 more transcripts); c.201G>A, p.Pro67= (NM_001329922.1); c.201G>A (NM_005184.3).
Identifiers: ClinVar variation 240117 (VCV000240117.44), dbSNP rs34089805, ClinGen allele CA9529783.

ClinVar aggregate classification (germline): Benign/Likely benign. Review status: criteria provided, multiple submitters, no conflicts (2 of 4 stars). 11 submissions from 11 submitters: Benign (6); Likely benign (3). 2 of the submissions do not count toward it. Last evaluated 2026-08-01.

Conditions:
Cardiovascular phenotype. Identifiers: MedGen CN230736.
Long QT syndrome 1 (LQT1). Identifiers: Orphanet 101016, Orphanet 768, MedGen C4551647, MONDO:0100316, OMIM 192500, MONDO:0008646.

Allele frequency attached by ClinVar (database versions not stated): 1000 Genomes Project 30x 0.00125; 1000 Genomes Project 0.00140; ExAC 0.00192; gnomAD exomes 0.00221 and 0.00403; gnomAD 0.00262 and 0.00271; TOPMed 0.00279; ESP Exome Variant Server 0.00315.
gnomAD v4.1: 6,277 of 1,614,060 alleles (0.39%); highest among the groups gnomAD compares: Non-Finnish European, 0.49%; 27 homozygotes.

Submissions (11):

CeGaT Center for Human Genetics Tuebingen
Classification: Likely benign. Last evaluated: 2026-08-01. Review status: criteria provided, single submitter. Criteria: CeGaT Center For Human Genetics Tuebingen Variant Classification Criteria Version 2. Collection method: clinical testing. Allele origin: germline. Affected: yes. Observed: 10 variant alleles.
Comment: CALM3: BP4, BP7, BS2

Labcorp Genetics (formerly Invitae), Labcorp
Classification: Benign for Long QT syndrome 1. Last evaluated: 2026-02-03. Review status: criteria provided, single submitter. Criteria: Invitae Variant Classification Sherloc (09022015). Collection method: clinical testing. Allele origin: germline.

Molecular Diagnostic Laboratory for Inherited Cardiovascular Disease, Montreal Heart Institute
Classification: Benign. Last evaluated: 2025-04-09. Review status: criteria provided, single submitter. Criteria: ACMG Guidelines, 2015. Collection method: clinical testing. Allele origin: germline. Affected: no.

Blueprint Genetics
Classification: Likely benign. Last evaluated: 2024-11-21. Review status: criteria provided, single submitter. Criteria: ACMG Guidelines, 2015. Collection method: clinical testing. Allele origin: germline.

ARUP Laboratories, Molecular Genetics and Genomics, ARUP Laboratories
Classification: Benign. Last evaluated: 2024-08-09. Review status: criteria provided, single submitter. Criteria: ARUP Molecular Germline Variant Investigation Process 2024. Collection method: clinical testing. Allele origin: germline.

Women's Health and Genetics/Laboratory Corporation of America, LabCorp
Classification: Benign. Last evaluated: 2023-07-30. Review status: criteria provided, single submitter. Criteria: LabCorp Variant Classification Summary - May 2015. Collection method: clinical testing. Allele origin: germline.

Mayo Clinic Laboratories, Mayo Clinic
Classification: Benign. Last evaluated: 2023-03-23. Review status: criteria provided, single submitter. Criteria: ACMG Guidelines, 2015. Collection method: clinical testing. Allele origin: germline. Observed: 5 variant alleles.
Comment: BS1, BS2, BP4, BP7

Ambry Genetics
Classification: Likely benign for Cardiovascular phenotype. Last evaluated: 2018-12-27. Review status: criteria provided, single submitter. Criteria: Ambry Variant Classification Scheme 2023. Collection method: clinical testing. Allele origin: germline.

GeneDx
Classification: Benign. Last evaluated: 2016-11-29. Review status: criteria provided, single submitter. Criteria: GeneDx Variant Classification (06012015). Collection method: clinical testing. Allele origin: germline. Affected: yes.
Comment: This variant is considered likely benign or benign based on one or more of the following criteria: it is a conservative change, it occurs at a poorly conserved position in the protein, it is predicted to be benign by multiple in silico algorithms, and/or has population frequency not consistent with disease.

Clinical Genetics, Academic Medical Center
Classification: Benign. Review status: no assertion criteria provided. Collection method: clinical testing. Allele origin: germline. Affected: yes. Study: VKGL Data-share Consensus. Not counted in ClinVar's aggregate classification.

Genome Diagnostics Laboratory, University Medical Center Utrecht
Classification: Benign. Review status: no assertion criteria provided. Collection method: clinical testing. Allele origin: germline. Affected: yes. Study: VKGL Data-share Consensus. Not counted in ClinVar's aggregate classification.